The following is an entry in ClinVar:

ClinVar aggregate classification (germline): Uncertain significance (1 of 4 stars; one submission).

Submission:

CeGaT Center for Human Genetics Tuebingen
Classification: Uncertain significance. Last evaluated: 2023-01-01. Review status: criteria provided, single submitter. Criteria: CeGaT Center For Human Genetics Tuebingen Variant Classification Criteria Version 2. Collection method: clinical testing. Allele origin: germline. Affected: yes. Observed: 1 variant allele.
Comment: PKD1: PM2

NM_001009944.3(PKD1):c.82C>A (p.Arg28Ser)

Gene: PKD1 (polycystin 1, transient receptor potential channel interacting; minus strand). Cytogenetic location: 16p13.3.
Variant type: single nucleotide variant.
Coding change: c.82C>A on transcript NM_001009944.3 (MANE Select); coding-DNA position 82, C replaced by A.
Protein change: p.Arg28Ser; replaces arginine 28 with serine.
Molecular consequence: missense variant.
Genome position (GRCh38, 1-based): chr16:2,135,608, G>T on the plus strand (C>A on the coding strand, the complement: PKD1 is on the minus strand). VCF-style: chr16-2135608-G-T. GRCh37 (hg19) VCF-style: chr16-2185609-G-T.
Other names: c.82C>A, p.Arg28Ser (NM_000296.4); short protein forms R28S.
Identifiers: ClinVar variation 2646039 (VCV002646039.24), dbSNP rs963532477, ClinGen allele CA394282830.
Genomic context (GRCh38, chr16:2,135,608, plus strand): 5'-GGCAGGCGGCGCCGGGCGCTGGGCCGCAGAGGCAGGGGGGCTCGCAGGGCCCGCAGCCGC[G>T]CCCGGGGCCCCCCGCCAGCGCCCCGAGCCACAGGCCCAGGCCCAGGGCCAGCGCCAGGCG-3'
Protein context (NP_001009944.3, residues 18-38): WLGALAGGPG[Arg28Ser]GCGPCEPPCL